The following is an entry in ClinVar:

NM_018344.6(SLC29A3):c.1397C>G (p.Ala466Gly)

Gene: SLC29A3 (solute carrier family 29 member 3; plus strand). Cytogenetic location: 10q22.1.
Variant type: single nucleotide variant.
Coding change: c.1397C>G on transcript NM_018344.6 (MANE Select); coding-DNA position 1397, C replaced by G.
Protein change: p.Ala466Gly; replaces alanine 466 with glycine.
Molecular consequence: missense variant. On other transcripts: 3 prime UTR variant (1), non-coding transcript variant (2).
Genome position (GRCh38, 1-based): chr10:71,362,577, C>G. VCF-style: chr10-71362577-C-G. GRCh37 (hg19) VCF-style: chr10-73122334-C-G.
Other names: c.*626C>G (NM_001174098.2); c.1163C>G, p.Ala388Gly (NM_001363518.2); short protein forms A466G, A388G.
Identifiers: ClinVar variation 2143150 (VCV002143150.2), dbSNP rs754728933, ClinGen allele CA5543194.
Genomic context (GRCh38, chr10:71,362,577, plus strand): 5'-CTGAGGCCACGGGAGTGGTGATGTCCTTTTATGTGTGCTTGGGCTTAACACTGGGCTCAG[C>G]CTGCTCTACCCTCCTGGTGCACCTCATCTAGAAGGGAGGACACAAGGACATTGGTGCTTC-3'
Protein context (NP_060814.4, residues 456-475): YVCLGLTLGS[Ala466Gly]CSTLLVHLI

ClinVar aggregate classification (germline): Uncertain significance (1 of 4 stars; one submission).

Conditions:
H syndrome. Also called: Histiocytosis with joint contractures and sensorineural deafness; Pigmented hypertrichosis and insulin-dependent diabetes mellitus; HISTIOCYTOSIS AND LYMPHADENOPATHY WITH OR WITHOUT CUTANEOUS, CARDIAC, AND/OR ENDOCRINE FEATURES, JOINT CONTRACTURES, AND/OR DEAFNESS; HYPERPIGMENTATION, CUTANEOUS, WITH HYPERTRICHOSIS, HEPATOSPLENOMEGALY, HEART ANOMALIES, AND HYPOGONADISM WITH OR WITHOUT HEARING LOSS; PIGMENTED HYPERTRICHOSIS WITH INSULIN-DEPENDENT DIABETES MELLITUS; ROSAI-DORFMAN DISEASE, FAMILIAL. Identifiers: Orphanet 168569, MedGen C1864445, MONDO:0011273, OMIM 602782.

Allele frequency attached by ClinVar (database versions not stated): gnomAD 0.00004; TOPMed 0.00006; ExAC 0.00007.
gnomAD v4.1: 50 of 1,614,028 alleles (0.0031%); highest among the groups gnomAD compares: East Asian, 0.11%; 1 homozygote.

Submission:

Labcorp Genetics (formerly Invitae), Labcorp
Classification: Uncertain significance for H syndrome. Last evaluated: 2025-10-04. Review status: criteria provided, single submitter. Criteria: Invitae Variant Classification Sherloc (09022015). Collection method: clinical testing. Allele origin: germline.
Comment: This sequence change replaces alanine, which is neutral and non-polar, with glycine, which is neutral and non-polar, at codon 466 of the SLC29A3 protein (p.Ala466Gly). This variant is present in population databases (rs754728933, gnomAD 0.2%). This variant has not been reported in the literature in individuals affected with SLC29A3-related conditions. ClinVar contains an entry for this variant (Variation ID: 2143150). Invitae Evidence Modeling of protein sequence and biophysical properties (such as structural, functional, and spatial information, amino acid conservation, physicochemical variation, residue mobility, and thermodynamic stability) indicates that this missense variant is not expected to disrupt SLC29A3 protein function with a negative predictive value of 80%. In summary, the available evidence is currently insufficient to determine the role of this variant in disease. Therefore, it has been classified as a Variant of Uncertain Significance.